The following is an entry in ClinVar:

NM_018489.3(ASH1L):c.4442A>G (p.His1481Arg)

Gene: ASH1L (ASH1 like histone lysine methyltransferase; minus strand). Cytogenetic location: 1q22.
Variant type: single nucleotide variant.
Coding change: c.4442A>G on transcript NM_018489.3 (MANE Select); coding-DNA position 4442, A replaced by G.
Protein change: p.His1481Arg; replaces histidine 1481 with arginine.
Molecular consequence: missense variant.
Genome position (GRCh38, 1-based): chr1:155,478,428, T>C on the plus strand (A>G on the coding strand, the complement: ASH1L is on the minus strand). VCF-style: chr1-155478428-T-C. GRCh37 (hg19) VCF-style: chr1-155448219-T-C.
Other names: c.4442A>G, p.His1481Arg (NM_001366177.2); short protein forms H1481R.
Identifiers: ClinVar variation 5008635 (VCV005008635.1).

ClinVar aggregate classification (germline): Uncertain significance (1 of 4 stars; one submission).

Submission:

GeneDx
Classification: Uncertain significance. Last evaluated: 2026-03-12. Review status: criteria provided, single submitter. Criteria: GeneDx Variant Classification Process June 2021. Collection method: clinical testing. Allele origin: germline.
Comment: Not observed at significant frequency in large population cohorts (gnomAD); In silico analysis suggests that this missense variant does not alter protein structure/function; Has not been previously published as pathogenic or benign to our knowledge